The following is an entry in ClinVar:

NM_001728.4(BSG):c.-7A>T

Gene: BSG (basigin (Ok blood group); plus strand). Cytogenetic location: 19p13.3.
Variant type: single nucleotide variant.
Coding change: c.-7A>T on transcript NM_001728.4 (MANE Select); 7 bases upstream of the start codon, A replaced by T.
Molecular consequence: 5 prime UTR variant. On other transcripts: intron variant (2).
Genome position (GRCh38, 1-based): chr19:572,628, A>T. VCF-style: chr19-572628-A-T. GRCh37 (hg19) VCF-style: chr19-572628-A-T.
Other names: c.-7A>T (NM_001322243.2, NM_198589.3); c.-213+1049A>T (NM_198590.3); c.-56+1049A>T (NM_198591.4).
Identifiers: ClinVar variation 4979199 (VCV004979199.1).

ClinVar aggregate classification (germline): Likely benign (1 of 4 stars; one submission).

Conditions:
BSG-related disorder. Also called: BSG-related condition.

Submission:

PreventionGenetics, part of Exact Sciences
Classification: Likely benign for BSG-related condition. Last evaluated: 2025-02-28. Review status: criteria provided, single submitter. Criteria: ACMG Guidelines, 2015. Collection method: clinical testing. Allele origin: germline.
Comment: This variant is classified as likely benign based on ACMG/AMP sequence variant interpretation guidelines (Richards et al. 2015 PMID: 25741868, with internal and published modifications).